The following is an entry in ClinVar:

ClinVar aggregate classification (germline): Likely pathogenic. Review status: criteria provided, multiple submitters, no conflicts (2 of 4 stars). 2 submissions from 2 submitters: Likely pathogenic (2). Last evaluated 2025-01-01.

Conditions:
Neurodevelopmental disorder with or without hyperkinetic movements and seizures, autosomal dominant. Also called: Intellectual disability, autosomal dominant 8. Identifiers: MedGen C3280282, MONDO:0013655, OMIM 614254.

Submissions (2):

Center of Human Genetics, Hôpital Erasme
Classification: Likely pathogenic for Neurodevelopmental disorder with or without hyperkinetic movements and seizures, autosomal dominant. Last evaluated: 2025-01-01. Review status: criteria provided, single submitter. Criteria: ACMG Guidelines, 2015. Collection method: clinical testing. Allele origin: de novo. Affected: yes.

GeneDx
Classification: Likely pathogenic. Last evaluated: 2016-01-25. Review status: criteria provided, single submitter. Criteria: GeneDx Variant Classification (06012015). Collection method: clinical testing. Allele origin: germline. Affected: yes.
Comment: The P557L variant in the GRIN1 gene has not been reported previously as a pathogenic variant, noras a benign variant, to our knowledge. The P557L variant was not observed in approximately 6300individuals of European and African American ancestry in the NHLBI Exome Sequencing Project,indicating it is not a common benign variant in these populations. The P557L variant is asemi-conservative amino acid substitution, which may impact secondary protein structure as theseresidues differ in some properties. This substitution occurs at a position that is conserved acrossspecies and in silico analysis predicts this variant is probably damaging to the proteinstructure/function. Missense variants in the same and a nearby residue (D552G, P557R) have beenreported in the Human Gene Mutation Database in association with early-onset epilepticencephalopathy, intellectual disability, and developmental delay (Stenson et al., 2014), supporting thefunctional importance of this region of the protein. The P557L variant is a strong candidate for apathogenic variant, however the possibility is may be a rare benign variant cannot be excluded.

NM_007327.4(GRIN1):c.1670C>T (p.Pro557Leu)

Gene: GRIN1 (glutamate ionotropic receptor NMDA type subunit 1; plus strand). Cytogenetic location: 9q34.3.
Variant type: single nucleotide variant.
Coding change: c.1670C>T on transcript NM_007327.4 (MANE Select); coding-DNA position 1670, C replaced by T.
Protein change: p.Pro557Leu; replaces proline 557 with leucine.
Molecular consequence: missense variant.
Genome position (GRCh38, 1-based): chr9:137,162,209, C>T. VCF-style: chr9-137162209-C-T. GRCh37 (hg19) VCF-style: chr9-140056661-C-T.
Other names: c.1670C>T, p.Pro557Leu (NM_000832.7, NM_021569.4); c.1733C>T, p.Pro578Leu (NM_001185090.2, NM_001185091.2); short protein forms P557L, P578L.
Identifiers: ClinVar variation 372881 (VCV000372881.2), dbSNP rs878853143, ClinGen allele CA16042645.